The following is an entry in ClinVar:

NC_000011.10:g.(?_2166470)_(2168675_?)del

Gene: TH (tyrosine hydroxylase; minus strand). Cytogenetic location: 11p15.5.
Variant type: Deletion.
Identifiers: ClinVar variation 831834 (VCV000831834.8).

ClinVar aggregate classification (germline): Likely pathogenic. Review status: criteria provided, single submitter (1 of 4 stars). 2 submissions from 1 submitter: Likely pathogenic (2). Last evaluated 2019-02-22.

Conditions:
Dystonic disorder. Also called: Dystonia. Identifiers: MedGen C0013421, MONDO:0003441, HP:0001332.
TH-deficient dopa-responsive dystonia. Also called: Segawa syndrome, autosomal recessive; Tyrosine Hydroxylase-Deficient Dopa-Responsive Dystonia; DYT-TH. Identifiers: Orphanet 101150, MedGen C2673535, MONDO:0011551, OMIM 605407.

Submissions (2):

Labcorp Genetics (formerly Invitae), Labcorp
Classification: Likely pathogenic for Dystonia. Last evaluated: 2019-02-22. Review status: criteria provided, single submitter. Criteria: Invitae Variant Classification Sherloc (09022015). Collection method: clinical testing. Allele origin: germline.
Comment: This variant is an in-frame deletion of the genomic region encompassing exons 4-10 of the TH gene. It preserves the integrity of the reading frame. This variant has not been reported in the literature in individuals with TH-related conditions. Experimental studies and prediction algorithms are not available for this variant, and the functional significance of the affected amino acid(s) is currently unknown. This variant disrupts the p.Arg233His amino acid residue in TH. Other variant(s) that disrupt this residue have been observed in individuals with TH-related conditions (PMID: 9703425, 10407773, 20430833, 20823027), suggesting that it is a clinically significant residue. As a result, variants that disrupt this residue are likely to be causative of disease. In summary, the currently available evidence indicates that the variant is pathogenic, but additional data are needed to prove that conclusively. Therefore, this variant has been classified as Likely Pathogenic.

Labcorp Genetics (formerly Invitae), Labcorp
Classification: Likely pathogenic for TH-deficient dopa-responsive dystonia. Last evaluated: 2019-02-15. Review status: criteria provided, single submitter. Criteria: Invitae Variant Classification Sherloc (09022015). Collection method: clinical testing. Allele origin: germline.
Comment: In summary, the currently available evidence indicates that the variant is pathogenic, but additional data are needed to prove that conclusively. Therefore, this variant has been classified as Likely Pathogenic. This variant disrupts the p.Arg233His amino acid residue in TH. Other variant(s) that disrupt this residue have been observed in individuals with TH-related conditions (PMID: 9703425, 10407773, 20430833, 20823027), suggesting that it is a clinically significant residue. As a result, variants that disrupt this residue are likely to be causative of disease. Experimental studies and prediction algorithms are not available for this variant, and the functional significance of the affected amino acid(s) is currently unknown. This variant has not been reported in the literature in individuals with TH-related conditions. This variant is an in-frame deletion of the genomic region encompassing exons 4-10 of the TH gene. It preserves the integrity of the reading frame.

Literature cited by the submitters: PubMed 9703425; PubMed 20823027; PubMed 10407773; PubMed 20430833.